The following is an entry in ClinVar:

NM_000260.4(MYO7A):c.5557C>G (p.His1853Asp)

Gene: MYO7A (myosin VIIA; plus strand). Cytogenetic location: 11q13.5.
Variant type: single nucleotide variant.
Coding change: c.5557C>G on transcript NM_000260.4 (MANE Select); coding-DNA position 5557, C replaced by G.
Protein change: p.His1853Asp; replaces histidine 1853 with aspartic acid.
Molecular consequence: missense variant.
Genome position (GRCh38, 1-based): chr11:77,205,538, C>G. VCF-style: chr11-77205538-C-G. GRCh37 (hg19) VCF-style: chr11-76916583-C-G.
Other names: c.5443C>G, p.His1815Asp (NM_001127180.2); c.5410C>G, p.His1804Asp (NM_001369365.1); short protein forms H1804D, H1815D, H1853D.
Identifiers: ClinVar variation 1504944 (VCV001504944.8), dbSNP rs370192806, ClinGen allele CA6198744.

ClinVar aggregate classification (germline): Uncertain significance (1 of 4 stars; one submission).

gnomAD v4.1: 3 of 1,609,754 alleles (0.00019%); highest among the groups gnomAD compares: East Asian, 0.0022%; no homozygotes.

Submission:

Labcorp Genetics (formerly Invitae), Labcorp
Classification: Uncertain significance. Last evaluated: 2022-06-27. Review status: criteria provided, single submitter. Criteria: Invitae Variant Classification Sherloc (09022015). Collection method: clinical testing. Allele origin: germline.
Comment: Algorithms developed to predict the effect of sequence changes on RNA splicing suggest that this variant may disrupt the consensus splice site. Advanced modeling of protein sequence and biophysical properties (such as structural, functional, and spatial information, amino acid conservation, physicochemical variation, residue mobility, and thermodynamic stability) performed at Invitae indicates that this missense variant is expected to disrupt MYO7A protein function. This variant has not been reported in the literature in individuals affected with MYO7A-related conditions. This variant is present in population databases (rs370192806, gnomAD 0.003%). This sequence change replaces histidine, which is basic and polar, with aspartic acid, which is acidic and polar, at codon 1853 of the MYO7A protein (p.His1853Asp). In summary, the available evidence is currently insufficient to determine the role of this variant in disease. Therefore, it has been classified as a Variant of Uncertain Significance.